The following is an entry in ClinVar:

NM_021098.3(CACNA1H):c.5973C>A (p.Ser1991Arg)

Gene: CACNA1H (calcium voltage-gated channel subunit alpha1 H; plus strand). Cytogenetic location: 16p13.3.
Variant type: single nucleotide variant.
Coding change: c.5973C>A on transcript NM_021098.3 (MANE Select); coding-DNA position 5973, C replaced by A.
Protein change: p.Ser1991Arg; replaces serine 1991 with arginine.
Molecular consequence: missense variant.
Genome position (GRCh38, 1-based): chr16:1,219,055, C>A. VCF-style: chr16-1219055-C-A. GRCh37 (hg19) VCF-style: chr16-1269055-C-A.
Other names: c.5955C>A, p.Ser1985Arg (NM_001005407.2); short protein forms S1991R, S1985R.
Identifiers: ClinVar variation 572843 (VCV000572843.8), dbSNP rs753397534, ClinGen allele CA394148341.

ClinVar aggregate classification (germline): Uncertain significance (1 of 4 stars; one submission).

Conditions:
Idiopathic generalized epilepsy. Also called: Generalised epilepsy; EIG. Identifiers: MedGen C0270850, MONDO:0005579, OMIM 600669.
Hyperaldosteronism, familial, type IV (HALD4). Also called: FH IV; ALDOSTERONISM, PRIMARY, AND HYPERTENSION. Identifiers: Orphanet 642671, MedGen C4310756, MONDO:0014875, OMIM 617027.

Submission:

Labcorp Genetics (formerly Invitae), Labcorp
Classification: Uncertain significance for Idiopathic generalized epilepsy; Hyperaldosteronism, familial, type IV. Last evaluated: 2022-08-09. Review status: criteria provided, single submitter. Criteria: Invitae Variant Classification Sherloc (09022015). Collection method: clinical testing. Allele origin: germline.
Comment: This variant has not been reported in the literature in individuals affected with CACNA1H-related conditions. This variant is not present in population databases (gnomAD no frequency). This sequence change replaces serine, which is neutral and polar, with arginine, which is basic and polar, at codon 1991 of the CACNA1H protein (p.Ser1991Arg). In summary, the available evidence is currently insufficient to determine the role of this variant in disease. Therefore, it has been classified as a Variant of Uncertain Significance. Advanced modeling of protein sequence and biophysical properties (such as structural, functional, and spatial information, amino acid conservation, physicochemical variation, residue mobility, and thermodynamic stability) performed at Invitae indicates that this missense variant is not expected to disrupt CACNA1H protein function. ClinVar contains an entry for this variant (Variation ID: 572843).